The following is an entry in ClinVar:

ClinVar aggregate classification (germline): Uncertain significance (1 of 4 stars; one submission).

gnomAD v4.1: 1 of 1,547,448 alleles (0.000065%); no homozygotes.

Submission:

Women's Health and Genetics/Laboratory Corporation of America, LabCorp
Classification: Uncertain significance. Last evaluated: 2025-09-30. Review status: criteria provided, single submitter. Criteria: LabCorp Variant Classification Summary - May 2015. Collection method: clinical testing. Allele origin: germline.
Comment: Variant summary: DRD5 c.86G>T (p.Gly29Val) results in a non-conservative amino acid change in the encoded protein sequence. Algorithms developed to predict the effect of missense changes on protein structure and function are either unavailable or do not agree on the potential impact of this missense change. The variant was absent in 180248 control chromosomes. The available data on variant occurrences in the general population are insufficient to allow any conclusion about variant significance. To our knowledge, no occurrence of c.86G>T in individuals affected with DRD5-related conditions and no experimental evidence demonstrating its impact on protein function have been reported. No submitters have cited clinical-significance assessments for this variant to ClinVar. Based on the evidence outlined above, the variant was classified as uncertain significance.

NM_000798.5(DRD5):c.86G>T (p.Gly29Val)

Genes: DRD5 (dopamine receptor D5; plus strand), SLC2A9 (solute carrier family 2 member 9; minus strand). Cytogenetic location: 4p16.1.
Variant type: single nucleotide variant.
Coding change: c.86G>T on transcript NM_000798.5 (MANE Select); coding-DNA position 86, G replaced by T.
Protein change: p.Gly29Val; replaces glycine 29 with valine.
Molecular consequence: missense variant.
Genome position (GRCh38, 1-based): chr4:9,782,115, G>T. VCF-style: chr4-9782115-G-T. GRCh37 (hg19) VCF-style: chr4-9783739-G-T.
Other names: short protein forms G29V.
Identifiers: ClinVar variation 4535994 (VCV004535994.1).